The following is an entry in ClinVar:

NM_001379500.1(COL18A1):c.2984C>T (p.Pro995Leu)

Genes: COL18A1 (collagen type XVIII alpha 1 chain; plus strand), SLC19A1 (solute carrier family 19 member 1; minus strand). Cytogenetic location: 21q22.3.
Variant type: single nucleotide variant.
Coding change: c.2984C>T on transcript NM_001379500.1 (MANE Select); coding-DNA position 2984, C replaced by T.
Protein change: p.Pro995Leu; replaces proline 995 with leucine.
Molecular consequence: missense variant.
Genome position (GRCh38, 1-based): chr21:45,505,249, C>T. VCF-style: chr21-45505249-C-T. GRCh37 (hg19) VCF-style: chr21-46925163-C-T.
Other names: c.3515C>T, p.Pro1172Leu (NM_030582.4); c.4220C>T, p.Pro1407Leu (NM_130444.3); short protein forms P1172L, P1407L, P995L.
Identifiers: ClinVar variation 2417634 (VCV002417634.7), dbSNP rs1014617525, ClinGen allele CA321921494.

ClinVar aggregate classification (germline): Uncertain significance. Review status: criteria provided, multiple submitters, no conflicts (2 of 4 stars). 3 submissions from 3 submitters: Uncertain significance (3). Last evaluated 2025-10-22.

gnomAD v4.1: 1 of 1,606,784 alleles (0.000062%); highest among the groups gnomAD compares: East Asian, 0.0022%; no homozygotes.

Submissions (3):

Dasa
Classification: Uncertain significance. Last evaluated: 2025-10-22. Review status: criteria provided, single submitter. Criteria: DASA Assertion Criteria. Collection method: clinical testing. Allele origin: germline.
Comment: NM_001379500.1(COL18A1):c.2984C>T (p.Pro995Leu) is a missense variant that results in the substitution of proline with leucine. This variant is rare in population databases. The currently available literature and clinical evidence are not sufficient to establish a definitive association between this variant and the reported condition. Therefore, this variant is classified as a variant of uncertain significance.

Labcorp Genetics (formerly Invitae), Labcorp
Classification: Uncertain significance. Last evaluated: 2022-04-22. Review status: criteria provided, single submitter. Criteria: Invitae Variant Classification Sherloc (09022015). Collection method: clinical testing. Allele origin: germline.
Comment: This sequence change replaces proline, which is neutral and non-polar, with leucine, which is neutral and non-polar, at codon 992 of the COL18A1 protein (p.Pro992Leu). This variant is not present in population databases (gnomAD no frequency). This variant has not been reported in the literature in individuals affected with COL18A1-related conditions. Experimental studies and prediction algorithms are not available or were not evaluated, and the functional significance of this variant is currently unknown. In summary, the available evidence is currently insufficient to determine the role of this variant in disease. Therefore, it has been classified as a Variant of Uncertain Significance.

Blueprint Genetics
Classification: Uncertain significance. Last evaluated: 2021-09-10. Review status: criteria provided, single submitter. Criteria: ACMG Guidelines, 2015. Collection method: clinical testing. Allele origin: germline.